The following is an entry in ClinVar:

ClinVar aggregate classification (germline): Uncertain significance. Review status: criteria provided, multiple submitters, no conflicts (2 of 4 stars). 2 submissions from 2 submitters: Uncertain significance (2). Last evaluated 2025-06-18.

Conditions:
Hoyeraal-Hreidarsson syndrome (HHS). Also called: CEREBELLAR HYPOPLASIA WITH PANCYTOPENIA. Identifiers: Orphanet 3322, MedGen C1846142, MONDO:0018045.
Autosomal recessive dyskeratosis congenita. Identifiers: MedGen C3502105.

Allele frequency attached by ClinVar (database versions not stated): TOPMed 0.00003.
gnomAD v4.1: 117 of 1,614,084 alleles (0.0072%); highest among the groups gnomAD compares: Non-Finnish European, 0.0094%; no homozygotes.

Submissions (2):

Ambry Genetics
Classification: Uncertain significance. Last evaluated: 2025-06-18. Review status: criteria provided, single submitter. Criteria: Ambry Variant Classification Scheme 2023. Collection method: clinical testing. Allele origin: germline.

Labcorp Genetics (formerly Invitae), Labcorp
Classification: Uncertain significance for Hoyeraal-Hreidarsson syndrome; Autosomal recessive dyskeratosis congenita. Last evaluated: 2021-08-30. Review status: criteria provided, single submitter. Criteria: Invitae Variant Classification Sherloc (09022015). Collection method: clinical testing. Allele origin: germline.
Comment: This sequence change replaces cysteine with tryptophan at codon 149 of the DCLRE1B protein (p.Cys149Trp). The cysteine residue is highly conserved and there is a large physicochemical difference between cysteine and tryptophan. This variant is present in population databases (rs369389853, ExAC 0.007%). This variant has not been reported in the literature in individuals affected with DCLRE1B-related conditions. Algorithms developed to predict the effect of missense changes on protein structure and function are either unavailable or do not agree on the potential impact of this missense change (SIFT: "Tolerated"; PolyPhen-2: "Probably Damaging"; Align-GVGD: "Class C0"). In summary, the available evidence is currently insufficient to determine the role of this variant in disease. Therefore, it has been classified as a Variant of Uncertain Significance.

NM_022836.4(DCLRE1B):c.447C>G (p.Cys149Trp)

Gene: DCLRE1B (DNA cross-link repair 1B; plus strand). Cytogenetic location: 1p13.2.
Variant type: single nucleotide variant.
Coding change: c.447C>G on transcript NM_022836.4 (MANE Select); coding-DNA position 447, C replaced by G.
Protein change: p.Cys149Trp; replaces cysteine 149 with tryptophan.
Molecular consequence: missense variant.
Genome position (GRCh38, 1-based): chr1:113,908,100, C>G. VCF-style: chr1-113908100-C-G. GRCh37 (hg19) VCF-style: chr1-114450722-C-G.
Other names: c.69C>G, p.Cys23Trp (NM_001319946.2, NM_001319947.2, NM_001363691.2); c.447C>G, p.Cys149Trp (NM_001363690.2); short protein forms C149W, C23W.
Identifiers: ClinVar variation 970886 (VCV000970886.7), dbSNP rs369389853, ClinGen allele CA1016405.